The following is an entry in ClinVar:

NM_000059.4(BRCA2):c.6206T>G (p.Leu2069Ter)

Gene: BRCA2 (BRCA2 DNA repair associated; plus strand). Cytogenetic location: 13q13.1.
Variant type: single nucleotide variant.
Coding change: c.6206T>G on transcript NM_000059.4 (MANE Select); coding-DNA position 6206, T replaced by G.
Protein change: p.Leu2069Ter; replaces leucine 2069 with a stop codon.
Molecular consequence: nonsense.
Genome position (GRCh38, 1-based): chr13:32,340,561, T>G. VCF-style: chr13-32340561-T-G. GRCh37 (hg19) VCF-style: chr13-32914698-T-G.
Other names: 6434T>G; short protein forms L2069*.
Identifiers: ClinVar variation 38026 (VCV000038026.28), dbSNP rs80358859, ClinGen allele CA023746.

ClinVar aggregate classification (germline): Pathogenic. Review status: reviewed by expert panel (3 of 4 stars). 16 submissions from 16 submitters: Pathogenic (1). 15 of the submissions do not count toward it. Last evaluated 2016-09-08.

Conditions:
Hereditary cancer-predisposing syndrome. Also called: Tumor predisposition; Neoplastic Syndromes, Hereditary; Hereditary neoplastic syndrome; Hereditary Cancer Syndrome. Identifiers: Orphanet 140162, MedGen C0027672, MeSH D009386, MONDO:0015356.
Hereditary breast ovarian cancer syndrome. Also called: Hereditary breast and ovarian cancer; Hereditary breast and ovarian cancer syndrome (HBOC); Hereditary breast and/or ovarian cancer syndrome; Breast and ovarian cancer; Hereditary breast and ovarian cancer syndrome; BRCA1- and BRCA2-Associated Hereditary Breast and Ovarian Cancer. Identifiers: Orphanet 145, MedGen C0677776, MeSH D061325, MONDO:0003582. Disease mechanism: loss of function.
Breast-ovarian cancer, familial, susceptibility to, 2 (BROVCA2). Also called: BRCA2 Hereditary Breast and Ovarian Cancer. Identifiers: Orphanet 145, MedGen C2675520, MONDO:0012933, OMIM 612555. Disease mechanism: loss of function.
Familial cancer of breast. Also called: Hereditary breast cancer; BREAST CANCER, FAMILIAL; hereditary breast carcinoma. Identifiers: Orphanet 227535, MedGen C0346153, MONDO:0016419, OMIM 114480. Disease mechanism: loss of function.

Submissions 1 to 9 of 16:

Evidence-based Network for the Interpretation of Germline Mutant Alleles (ENIGMA)
Classification: Pathogenic for Breast-ovarian cancer, familial, susceptibility to, 2. Last evaluated: 2016-09-08. Review status: reviewed by expert panel. Criteria: ENIGMA BRCA1/2 Classification Criteria (2015). Collection method: curation. Allele origin: germline.
Comment: Variant allele predicted to encode a truncated non-functional protein.

Ambry Genetics
Classification: Pathogenic for Hereditary cancer-predisposing syndrome. Last evaluated: 2025-08-06. Review status: criteria provided, single submitter. Criteria: Ambry Variant Classification Scheme 2023. Collection method: clinical testing. Allele origin: germline. Not counted in ClinVar's aggregate classification.
Comment: The p.L2069* pathogenic mutation (also known as c.6206T>G), located in coding exon 10 of the BRCA2 gene, results from a T to G substitution at nucleotide position 6206. This changes the amino acid from a leucine to a stop codon within coding exon 10. A single nucleotide deletion resulting in a stop codon at the same position (p.L2069*) has been identified in a French family with female breast and ovarian cancer (Serova-Sinilnikova OM et al. Am. J. Hum. Genet. 1997 May; 60(5):1236-9). This variant is considered to be rare based on population cohorts in the Genome Aggregation Database (gnomAD). This alteration is expected to result in loss of function by premature protein truncation or nonsense-mediated mRNA decay. As such, this alteration is interpreted as a disease-causing mutation.

Labcorp Genetics (formerly Invitae), Labcorp
Classification: Pathogenic for Hereditary breast ovarian cancer syndrome. Last evaluated: 2025-02-19. Review status: criteria provided, single submitter. Criteria: Invitae Variant Classification Sherloc (09022015). Collection method: clinical testing. Allele origin: germline. Not counted in ClinVar's aggregate classification.
Comment: This sequence change creates a premature translational stop signal (p.Leu2069*) in the BRCA2 gene. It is expected to result in an absent or disrupted protein product. Loss-of-function variants in BRCA2 are known to be pathogenic (PMID: 20104584). This variant is not present in population databases (gnomAD no frequency). This variant has not been reported in the literature in individuals affected with BRCA2-related conditions. ClinVar contains an entry for this variant (Variation ID: 38026). For these reasons, this variant has been classified as Pathogenic.

Women's Health and Genetics/Laboratory Corporation of America, LabCorp
Classification: Pathogenic for Hereditary breast ovarian cancer syndrome. Last evaluated: 2025-02-06. Review status: criteria provided, single submitter. Criteria: LabCorp Variant Classification Summary - May 2015. Collection method: clinical testing. Allele origin: germline. Not counted in ClinVar's aggregate classification.
Comment: Variant summary: BRCA2 c.6206T>G (p.Leu2069*) results in a premature termination codon, predicted to cause a truncation of the encoded protein or absence of the protein due to nonsense mediated decay, which are commonly known mechanisms for disease. The variant was absent in 250212 control chromosomes. c.6206T>G has been reported in the literature in individuals affected with Hereditary Breast And Ovarian Cancer Syndrome (e.g., Petridis_2019, Rebbeck_2018). These data indicate that the variant may be associated with disease. Additionally, the same p.Leu2069* amino acid change caused by a different variant (c.6206delT) has been reported as pathogenic in ClinVar. The following publications have been ascertained in the context of this evaluation (PMID: 31060593, 29446198). ClinVar contains an entry for this variant (Variation ID: 38026). Based on the evidence outlined above, the variant was classified as pathogenic.

All of Us Research Program, National Institutes of Health
Classification: Pathogenic for Breast-ovarian cancer, familial, susceptibility to, 2. Last evaluated: 2024-01-08. Review status: criteria provided, single submitter. Criteria: ACMG Guidelines, 2015. Collection method: clinical testing. Allele origin: germline. Inheritance: Autosomal dominant inheritance. Observed: 1 variant allele, 1 heterozygote. Not counted in ClinVar's aggregate classification.
Comment: This variant changes 1 nucleotide in exon 11 of the BRCA2 gene, creating a premature translation stop signal. This variant is expected to result in an absent or non-functional protein product. This variant has been reported in an individual affected with breast cancer (PMID: 16912212), one unaffected individual (PMID: 33471991; Leiden Open Variation Database DB-ID BRCA2_004908) and in four families among the CIMBA participants (PMID: 29446198). This variant has not been identified in the general population by the Genome Aggregation Database (gnomAD). Loss of BRCA2 function is a known mechanism of disease. Based on the available evidence, this variant is classified as Pathogenic.

This study involves interpretation of variants in research participants for the purpose of population health screening. Participant phenotype was not available at the time of variant classification. Additional details can be found in publication PMID: 35346344, PMCID: PMC8962531

Quest Diagnostics Nichols Institute San Juan Capistrano
Classification: Pathogenic. Last evaluated: 2023-12-06. Review status: criteria provided, single submitter. Criteria: Quest Diagnostics criteria. Collection method: clinical testing. Allele origin: unknown. Not counted in ClinVar's aggregate classification.
Comment: The BRCA2 c.6206T>G (p.Leu2069*) variant causes the premature termination of BRCA2 protein synthesis. In the published literature, this variant has been reported in an individual with breast cancer (PMID: 16912212 (2006)), and observed in a world-wide screening study of families with BRCA1 and BRCA2 pathogenic variants (PMID: 29446198 (2018)). The same p.Leu2069* amino acid change caused by a different variant (c.6206del) has also been reported in a family with breast and/or ovarian cancer (PMID: 9150172 (1997)). The c.6206T>G (p.Leu2069*) variant has not been reported in large, multi-ethnic general populations (Genome Aggregation Database). Based on the available information, this variant is classified as pathogenic.

GeneDx
Classification: Pathogenic. Last evaluated: 2022-04-29. Review status: criteria provided, single submitter. Criteria: GeneDx Variant Classification Process June 2021. Collection method: clinical testing. Allele origin: germline. Affected: yes. Not counted in ClinVar's aggregate classification.
Comment: Observed in individuals with a personal or family history consistent with pathogenic variants in this gene (Malone 2006, Rebbeck 2018); Nonsense variant predicted to result in protein truncation or nonsense mediated decay in a gene for which loss-of-function is a known mechanism of disease; Truncating variants in this gene are considered pathogenic by a well-established clinical consortium and/or database; Not observed at a significant frequency in large population cohorts (gnomAD); Also known as 6434T>G; This variant is associated with the following publications: (PMID: 16912212, 9150172, 29446198, 31447099, 30787465)

Baylor Genetics
Classification: Pathogenic for Familial cancer of breast. Last evaluated: 2022-02-22. Review status: criteria provided, single submitter. Criteria: ACMG Guidelines, 2015. Collection method: clinical testing. Allele origin: unknown. Not counted in ClinVar's aggregate classification.

Sema4
Classification: Pathogenic for Hereditary cancer-predisposing syndrome. Last evaluated: 2021-06-22. Review status: criteria provided, single submitter. Criteria: Sema4 Curation Guidelines. Collection method: curation. Allele origin: germline. Not counted in ClinVar's aggregate classification.
Comment: The BRCA2 c.6206T>G (p.L2069X) variant has been reported in heterozygosity in at least 1 individual with breast and ovarian cancer (PMID: 16912212). It was also reported in cohorts of individuals undergoing BRCA/2 testing (PMID 31447099, 29446198). This nonsense variant creates a premature stop codon at residue 2069 of the BRCA2 protein. This variant is expected to cause nonsense-mediated decay and result in an absence of the protein product. Loss of function variants in BRCA1 or BRCA2 are known to be pathogenic (PMID: 29446198). This variant is not reported in the population database Genome Aggregation Database (PMID: 32461654). This variant has been reported in ClinVar (Variation ID: 38026). Based on the current evidence available, this variant is interpreted as pathogenic.